The following is an entry in ClinVar:

NM_002185.5(IL7R):c.361del (p.Lys120_Ile121insTer)

Gene: IL7R (interleukin 7 receptor; plus strand). Cytogenetic location: 5p13.2.
Variant type: Deletion.
Coding change: c.361del on transcript NM_002185.5 (MANE Select); coding-DNA position 361, one base deleted (A; older notation c.361delA).
Protein change: p.Lys120_Ile121insTer.
Molecular consequence: nonsense. On other transcripts: non-coding transcript variant (1).
Genome position (GRCh38, 1-based): chr5:35,867,445, A deleted; the last of 7 consecutive A bases (chr5:35,867,439-35,867,445); deleting any one gives the same sequence. VCF-style (leftmost placement, unchanged base first): chr5-35867438-CA-C. GRCh37 (hg19) VCF-style: chr5-35867540-CA-C.
Other names: c.361del, p.Lys120_Ile121insTer (NM_001410734.1); c.358delA (NM_002185.5).
Identifiers: ClinVar variation 4071547 (VCV004071547.1).

ClinVar aggregate classification (germline): Likely pathogenic (1 of 4 stars; one submission).

Conditions:
Immunodeficiency 104. Also called: Severe combined immunodeficiency, autosomal recessive, T cell-negative, B cell-positive, NK cell-positive; Severe Combined Immune Deficiency, Autosomal Recessive, TCell -Negative, B Cell-Positive, NK Cell-Positive, IL7R-Related; SCID, AUTOSOMAL RECESSIVE, T CELL-NEGATIVE, B CELL-POSITIVE, NK CELL-POSITIVE; IMMUNODEFICIENCY 104, SEVERE COMBINED. Identifiers: MedGen C5676890, MONDO:0012163, OMIM 608971.

Submission:

Next Generation Genetic Polyclinic
Classification: Likely pathogenic for Immunodeficiency 104. Last evaluated: 2025-05-09. Review status: criteria provided, single submitter. Criteria: ACMG Guidelines, 2015. Collection method: clinical testing. Allele origin: germline. Affected: yes. Observed: 1 variant allele.
Comment: The NM_002185.5:c.358delA variant in the IL7R gene is a single-nucleotide deletion that causes a frameshift, likely resulting in a premature stop codon and truncated protein. IL7R encodes the interleukin-7 receptor alpha chain, which is essential for T-cell development and survival. Loss-of-function mutations in this gene are known to cause autosomal recessive severe combined immunodeficiency (SCID), particularly the T-cell-negative, B-cell-positive, NK-cell-positive subtype. This variant is classified as likely pathogenic based on its predicted impact on protein function, its absence from population databases, and its identification in a homozygous state through germline clinical testing. Although novel, its molecular consequence and gene-disease relationship strongly support its clinical relevance.Sanger sequencing confirmed variant presence.